The following is an entry in ClinVar:

ClinVar aggregate classification (germline): Uncertain significance (1 of 4 stars; one submission).

Conditions:
Inborn genetic diseases. Identifiers: MedGen C0950123, MeSH D030342.

Submission:

Ambry Genetics
Classification: Uncertain significance for Inborn genetic diseases. Last evaluated: 2024-03-20. Review status: criteria provided, single submitter. Criteria: Ambry Variant Classification Scheme 2023. Collection method: clinical testing. Allele origin: germline.
Comment: The p.R1062G variant (also known as c.3184A>G), located in coding exon 13 of the F5 gene, results from an A to G substitution at nucleotide position 3184. The arginine at codon 1062 is replaced by glycine, an amino acid with dissimilar properties. This amino acid position is conserved. In addition, this alteration is predicted to be tolerated by in silico analysis. Based on the available evidence, the clinical significance of this alteration remains unclear.

NM_000130.5(F5):c.3184A>G (p.Arg1062Gly)

Gene: F5 (coagulation factor V; minus strand). Cytogenetic location: 1q24.2.
Variant type: single nucleotide variant.
Coding change: c.3184A>G on transcript NM_000130.5 (MANE Select); coding-DNA position 3184, A replaced by G.
Protein change: p.Arg1062Gly; replaces arginine 1062 with glycine.
Molecular consequence: missense variant.
Genome position (GRCh38, 1-based): chr1:169,541,906, T>C on the plus strand (A>G on the coding strand, the complement: F5 is on the minus strand). VCF-style: chr1-169541906-T-C. GRCh37 (hg19) VCF-style: chr1-169511144-T-C.
Other names: short protein forms R1062G.
Identifiers: ClinVar variation 3276970 (VCV003276970.1).